The following is an entry in ClinVar:

NM_001943.5(DSG2):c.1688T>C (p.Leu563Pro)

Gene: DSG2 (desmoglein 2; plus strand). Cytogenetic location: 18q12.1.
Variant type: single nucleotide variant.
Coding change: c.1688T>C on transcript NM_001943.5 (MANE Select); coding-DNA position 1688, T replaced by C.
Protein change: p.Leu563Pro; replaces leucine 563 with proline.
Molecular consequence: missense variant.
Genome position (GRCh38, 1-based): chr18:31,538,787, T>C. VCF-style: chr18-31538787-T-C. GRCh37 (hg19) VCF-style: chr18-29118750-T-C.
Other names: short protein forms L563P.
Identifiers: ClinVar variation 2190247 (VCV002190247.4), dbSNP rs780469370, ClinGen allele CA402137021.
Genomic context (GRCh38, chr18:31,538,787, plus strand): 5'-TCCTTCTGCCTCCCAACCTTGTAGGTACCAGTGTGCTGCTGCAACAAAGTGAGAAAAAGC[T>C]TGGGAGAAGTGAAATTCAGTTCCTGATTTCAGACAATCAGGGTTTTAGTTGTCCTGAAAA-3'
Protein context (NP_001934.2, residues 553-573): SVLLQQSEKK[Leu563Pro]GRSEIQFLIS

ClinVar aggregate classification (germline): Uncertain significance (1 of 4 stars; one submission).

Conditions:
Arrhythmogenic right ventricular dysplasia 10. Also called: Arrhythmogenic right ventricular dysplasia/cardiomyopathy, type 10; Arrhythmogenic Right Ventricular Dysplasia/Cardiomyopathy10; ARRHYTHMOGENIC RIGHT VENTRICULAR DYSPLASIA, FAMILIAL, 10. Identifiers: MedGen C1857777, MONDO:0012434, OMIM 610193.

gnomAD v4.1: 2 of 1,614,156 alleles (0.00012%); highest among the groups gnomAD compares: Non-Finnish European, 0.00017%; no homozygotes.

Submission:

Labcorp Genetics (formerly Invitae), Labcorp
Classification: Uncertain significance for Arrhythmogenic right ventricular dysplasia 10. Last evaluated: 2022-08-22. Review status: criteria provided, single submitter. Criteria: Invitae Variant Classification Sherloc (09022015). Collection method: clinical testing. Allele origin: germline.
Comment: This variant is not present in population databases (gnomAD no frequency). This variant has not been reported in the literature in individuals affected with DSG2-related conditions. Algorithms developed to predict the effect of missense changes on protein structure and function output the following: SIFT: "Tolerated"; PolyPhen-2: "Benign"; Align-GVGD: "Class C0". The proline amino acid residue is found in multiple mammalian species, which suggests that this missense change does not adversely affect protein function. In summary, the available evidence is currently insufficient to determine the role of this variant in disease. Therefore, it has been classified as a Variant of Uncertain Significance. This sequence change replaces leucine, which is neutral and non-polar, with proline, which is neutral and non-polar, at codon 563 of the DSG2 protein (p.Leu563Pro).